The following is an entry in ClinVar:

NM_024675.4(PALB2):c.3114G>T (p.Trp1038Cys)

Gene: PALB2 (partner and localizer of BRCA2; minus strand). Cytogenetic location: 16p12.2.
Variant type: single nucleotide variant.
Coding change: c.3114G>T on transcript NM_024675.4 (MANE Select); coding-DNA position 3114, G replaced by T.
Protein change: p.Trp1038Cys; replaces tryptophan 1038 with cysteine.
Molecular consequence: missense variant. On other transcripts: intron variant (3).
Genome position (GRCh38, 1-based): chr16:23,614,091, C>A on the plus strand (G>T on the coding strand, the complement: PALB2 is on the minus strand). VCF-style: chr16-23614091-C-A. GRCh37 (hg19) VCF-style: chr16-23625412-C-A.
Other names: c.3054G>T, p.Trp1018Cys (NM_001407296.1); c.3042G>T, p.Trp1014Cys (NM_001407297.1); c.2952G>T, p.Trp984Cys (NM_001407298.1, NM_001407302.1); c.2835G>T, p.Arg945Ser (NM_001407300.1); c.3114G>T, p.Trp1038Cys (NM_001407301.1); c.2229G>T, p.Trp743Cys (NM_001407304.1, NM_001407305.1, NM_001407306.1 and 2 more transcripts); c.2067G>T, p.Trp689Cys (NM_001407307.1); c.1326G>T, p.Trp442Cys (NM_001407312.1, NM_001407313.1); and 3 more; short protein forms R945S, W1014C, W1018C, W1038C, W216C, W442C, W689C, W743C.
Identifiers: ClinVar variation 3344066 (VCV003344066.1).

ClinVar aggregate classification (germline): Uncertain significance (0 of 4 stars; one submission).

Conditions:
PALB2-related disorder. Also called: PALB2-related disorders; PALB2-related condition.

Submission:

PreventionGenetics, part of Exact Sciences
Classification: Uncertain significance for PALB2-related condition. Last evaluated: 2024-08-30. Review status: no assertion criteria provided. Collection method: clinical testing. Allele origin: germline.
Comment: The PALB2 c.3114G>T variant is predicted to result in the amino acid substitution p.Trp1038Cys. In addition, this variant is located at the last nucleotide of the exon and is predicted to significantly weaken the acceptor splice site (SpliceAI, Jaganathan K, et al. 2019. PubMed ID: 30661751). A different variant that disrupt this splice site has been reported in individuals with PALB2-related disorders (c.3114-1G>A; Zhang et al. 2017. PubMed ID: 28825143; Kwong et al. 2021. PubMed ID: 34439348). To our knowledge, this variant has not been reported in the literature or in a large population database, indicating this variant is rare. Although we suspect this variant could be pathogenic, at this time, the clinical significance of this variant is uncertain due to the absence of conclusive functional and genetic evidence.